The following is an entry in ClinVar:

ClinVar aggregate classification (germline): Uncertain significance (1 of 4 stars; one submission).

Allele frequency attached by ClinVar (database versions not stated): TOPMed below 0.00001.

Submission:

Athena Diagnostics
Classification: Uncertain significance. Last evaluated: 2023-06-05. Review status: criteria provided, single submitter. Criteria: Athena Diagnostics Criteria. Collection method: clinical testing. Allele origin: unknown.
Comment: Available data are insufficient to determine the clinical significance of the variant at this time. This variant has not been reported in large, multi-ethnic general populations. Computational tools disagree on the variant's effect on normal protein function.

NM_014363.6(SACS):c.4496T>C (p.Met1499Thr)

Gene: SACS (sacsin molecular chaperone; minus strand). Cytogenetic location: 13q12.12.
Variant type: single nucleotide variant.
Coding change: c.4496T>C on transcript NM_014363.6 (MANE Select); coding-DNA position 4496, T replaced by C.
Protein change: p.Met1499Thr; replaces methionine 1499 with threonine.
Molecular consequence: missense variant.
Genome position (GRCh38, 1-based): chr13:23,339,380, A>G on the plus strand (T>C on the coding strand, the complement: SACS is on the minus strand). VCF-style: chr13-23339380-A-G. GRCh37 (hg19) VCF-style: chr13-23913519-A-G.
Other names: c.4055T>C, p.Met1352Thr (NM_001278055.2); short protein forms M1352T, M1499T.
Identifiers: ClinVar variation 2684328 (VCV002684328.1), dbSNP rs779121600, ClinGen allele CA246660163.
Genomic context (GRCh38, chr13:23,339,380, plus strand): 5'-CCATGACAAGCTGCCATCCCTGGGTCTAGGAGATTCTCTCTTATGTCCATATTTCTTCTC[A>G]TATCAATCAAGAAACTGCATTCTGTTGCATTTGCATCATCAGCGTTTTGAAGTAGTTCTT-3'
Protein context (NP_055178.3, residues 1489-1509): NATECSFLID[Met1499Thr]RRNMDIRENL